The following is an entry in ClinVar:

NM_007289.4(MME):c.2075A>G (p.Gln692Arg)

Gene: MME (membrane metalloendopeptidase; plus strand). Cytogenetic location: 3q25.2.
Variant type: single nucleotide variant.
Coding change: c.2075A>G on transcript NM_007289.4 (MANE Select); coding-DNA position 2075, A replaced by G.
Protein change: p.Gln692Arg; replaces glutamine 692 with arginine.
Molecular consequence: missense variant.
Genome position (GRCh38, 1-based): chr3:155,172,211, A>G. VCF-style: chr3-155172211-A-G. GRCh37 (hg19) VCF-style: chr3-154890000-A-G.
Other names: c.2075A>G, p.Gln692Arg (NM_000902.5, NM_001354642.2, NM_001354643.1 and 2 more transcripts); short protein forms Q692R.
Identifiers: ClinVar variation 1499092 (VCV001499092.5), dbSNP rs758858771, ClinGen allele CA2675733.

ClinVar aggregate classification (germline): Uncertain significance (1 of 4 stars; one submission).

Allele frequency attached by ClinVar (database versions not stated): ExAC 0.00001; gnomAD exomes 0.00001 and 0.00002; TOPMed 0.00001.
gnomAD v4.1: 10 of 1,592,192 alleles (0.00063%); highest among the groups gnomAD compares: Non-Finnish European, 0.00086%; no homozygotes.

Submission:

Labcorp Genetics (formerly Invitae), Labcorp
Classification: Uncertain significance. Last evaluated: 2025-01-07. Review status: criteria provided, single submitter. Criteria: Invitae Variant Classification Sherloc (09022015). Collection method: clinical testing. Allele origin: germline.
Comment: This sequence change replaces glutamine, which is neutral and polar, with arginine, which is basic and polar, at codon 692 of the MME protein (p.Gln692Arg). This variant is present in population databases (rs758858771, gnomAD 0.02%). This missense change has been observed in individual(s) with clinical features of MME-related conditions (internal data). ClinVar contains an entry for this variant (Variation ID: 1499092). An algorithm developed to predict the effect of missense changes on protein structure and function (PolyPhen-2) suggests that this variant is likely to be disruptive. Algorithms developed to predict the effect of sequence changes on RNA splicing suggest that this variant may disrupt the consensus splice site. In summary, the available evidence is currently insufficient to determine the role of this variant in disease. Therefore, it has been classified as a Variant of Uncertain Significance.